The following is an entry in ClinVar:

NM_031935.3(HMCN1):c.4405C>T (p.Arg1469Cys)

Gene: HMCN1 (hemicentin 1; plus strand). Cytogenetic location: 1q31.1.
Variant type: single nucleotide variant.
Coding change: c.4405C>T on transcript NM_031935.3 (MANE Select); coding-DNA position 4405, C replaced by T.
Protein change: p.Arg1469Cys; replaces arginine 1469 with cysteine.
Molecular consequence: missense variant.
Genome position (GRCh38, 1-based): chr1:186,003,774, C>T. VCF-style: chr1-186003774-C-T. GRCh37 (hg19) VCF-style: chr1-185972906-C-T.
Other names: short protein forms R1469C.
Identifiers: ClinVar variation 1386168 (VCV001386168.6), dbSNP rs140363573, ClinGen allele CA1291995.

ClinVar aggregate classification (germline): Uncertain significance (1 of 4 stars; one submission).

Allele frequency attached by ClinVar (database versions not stated): ESP Exome Variant Server 0.00046; gnomAD 0.00006; gnomAD exomes 0.00008; ExAC 0.00009; TOPMed 0.00009.
gnomAD v4.1: 117 of 1,612,534 alleles (0.0073%); highest among the groups gnomAD compares: African/African-American, 0.011%; no homozygotes.

Submission:

Labcorp Genetics (formerly Invitae), Labcorp
Classification: Uncertain significance. Last evaluated: 2025-12-15. Review status: criteria provided, single submitter. Criteria: Invitae Variant Classification Sherloc (09022015). Collection method: clinical testing. Allele origin: germline.
Comment: This sequence change replaces arginine, which is basic and polar, with cysteine, which is neutral and slightly polar, at codon 1469 of the HMCN1 protein (p.Arg1469Cys). This variant is present in population databases (rs140363573, gnomAD 0.01%). This variant has not been reported in the literature in individuals affected with HMCN1-related conditions. ClinVar contains an entry for this variant (Variation ID: 1386168). An algorithm developed to predict the effect of missense changes on protein structure and function (PolyPhen-2) suggests that this variant is likely to be disruptive. In summary, the available evidence is currently insufficient to determine the role of this variant in disease. Therefore, it has been classified as a Variant of Uncertain Significance.